The following is an entry in ClinVar:

ClinVar aggregate classification (germline): Uncertain significance. Review status: criteria provided, multiple submitters, no conflicts (2 of 4 stars). 2 submissions from 2 submitters: Uncertain significance (2). Last evaluated 2024-09-10.

Allele frequency attached by ClinVar (database versions not stated): gnomAD exomes below 0.00001; gnomAD 0.00001; TOPMed 0.00001.
gnomAD v4.1: 10 of 1,614,010 alleles (0.00062%); highest among the groups gnomAD compares: Admixed American, 0.0017%; no homozygotes.

Submissions (2):

Blueprint Genetics
Classification: Uncertain significance. Last evaluated: 2024-09-10. Review status: criteria provided, single submitter. Criteria: ACMG Guidelines, 2015. Collection method: clinical testing. Allele origin: germline.

Labcorp Genetics (formerly Invitae), Labcorp
Classification: Uncertain significance. Last evaluated: 2024-03-11. Review status: criteria provided, single submitter. Criteria: Invitae Variant Classification Sherloc (09022015). Collection method: clinical testing. Allele origin: germline.
Comment: This sequence change replaces aspartic acid, which is acidic and polar, with glycine, which is neutral and non-polar, at codon 1768 of the RP1 protein (p.Asp1768Gly). This variant is present in population databases (no rsID available, gnomAD 0.002%). This variant has not been reported in the literature in individuals affected with RP1-related conditions. ClinVar contains an entry for this variant (Variation ID: 1039289). An algorithm developed to predict the effect of missense changes on protein structure and function (PolyPhen-2) suggests that this variant is likely to be disruptive. In summary, the available evidence is currently insufficient to determine the role of this variant in disease. Therefore, it has been classified as a Variant of Uncertain Significance.

NM_006269.2(RP1):c.5303A>G (p.Asp1768Gly)

Genes: RP1 (RP1 axonemal microtubule associated; plus strand), LOC126860392 (CDK7 strongly-dependent group 2 enhancer GRCh37_chr8:55541319-55542518; plus strand). Cytogenetic location: 8q12.1.
Variant type: single nucleotide variant.
Coding change: c.5303A>G on transcript NM_006269.2 (MANE Select); coding-DNA position 5303, A replaced by G.
Protein change: p.Asp1768Gly; replaces aspartic acid 1768 with glycine.
Molecular consequence: missense variant. On other transcripts: intron variant (1).
Genome position (GRCh38, 1-based): chr8:54,629,185, A>G. VCF-style: chr8-54629185-A-G. GRCh37 (hg19) VCF-style: chr8-55541745-A-G.
Other names: c.787+6897A>G (NM_001375654.1); short protein forms D1768G.
Identifiers: ClinVar variation 1039289 (VCV001039289.10), dbSNP rs1476337533, ClinGen allele CA370985596.